The following is an entry in ClinVar:

ClinVar aggregate classification (germline): Pathogenic. Review status: criteria provided, multiple submitters, no conflicts (2 of 4 stars). 4 submissions from 4 submitters: Pathogenic (4). Last evaluated 2025-05-09.

Conditions:
Long QT syndrome (LQTS). Identifiers: MedGen C0023976, MeSH D008133, MONDO:0002442. Disease mechanism: loss of function. Inheritance: Various modes of inheritance.
Cardiovascular phenotype. Identifiers: MedGen CN230736.
Atrial fibrillation, familial, 3 (ATFB3). Identifiers: MedGen C1837014, MONDO:0011857, OMIM 607554.
Long QT syndrome 1 (LQT1). Identifiers: Orphanet 101016, Orphanet 768, MedGen C4551647, MONDO:0100316, OMIM 192500, MONDO:0008646.
Jervell and Lange-Nielsen syndrome 1 (JLNS1). Also called: CARDIOAUDITORY SYNDROME OF JERVELL AND LANGE-NIELSEN; DEAFNESS, CONGENITAL, AND FUNCTIONAL HEART DISEASE; PROLONGED QT INTERVAL IN EKG AND SUDDEN DEATH; SURDO-CARDIAC SYNDROME. Identifiers: Orphanet 768, Orphanet 90647, MedGen C4551509, MONDO:0024540, OMIM 220400.
Beckwith-Wiedemann syndrome (BWS). Also called: EMG SYNDROME; Exomphalos macroglossia gigantism syndrome. Identifiers: Orphanet 116, MedGen C0004903, MONDO:0007534, OMIM 130650.
Short QT syndrome type 2. Identifiers: Orphanet 51083, MedGen C1865019, MONDO:0012313, OMIM 609621.

gnomAD v4.1: 3 of 1,612,506 alleles (0.00019%); highest among the groups gnomAD compares: Non-Finnish European, 0.000085%; no homozygotes.

Submissions (4):

Labcorp Genetics (formerly Invitae), Labcorp
Classification: Pathogenic for Long QT syndrome. Last evaluated: 2025-05-09. Review status: criteria provided, single submitter. Criteria: Invitae Variant Classification Sherloc (09022015). Collection method: clinical testing. Allele origin: germline.
Comment: This sequence change creates a premature translational stop signal (p.Tyr171*) in the KCNQ1 gene. It is expected to result in an absent or disrupted protein product. Loss-of-function variants in KCNQ1 are known to be pathogenic (PMID: 9323054, 19862833). This variant is present in population databases (rs139042529, gnomAD 0.002%). This premature translational stop signal has been observed in individual(s) with autosomal dominant long QT syndrome and autosomal recessive Jervell and Lange-Nielsen syndrome (PMID: 11216980, 12051962, 17470695, 26187847). In at least one individual the data is consistent with being in trans (on the opposite chromosome) from a pathogenic variant. ClinVar contains an entry for this variant (Variation ID: 53056). For these reasons, this variant has been classified as Pathogenic.

GeneDx
Classification: Pathogenic. Last evaluated: 2024-10-02. Review status: criteria provided, single submitter. Criteria: GeneDx Variant Classification Process June 2021. Collection method: clinical testing. Allele origin: germline. Affected: yes.
Comment: Reported in individuals with confirmed or suspected long QT syndrome (LQTS) in published literature (PMID: 14678125, 19716085, 17470695, 11216980, 15840476, 12051962); Nonsense variant predicted to result in protein truncation or nonsense mediated decay in a gene for which loss of function is a known mechanism of disease; Not observed at significant frequency in large population cohorts (gnomAD); This variant is associated with the following publications: (PMID: 14678125, 25525159, 17470695, 12051962, 15840476, 19716085, 11216980)

Ambry Genetics
Classification: Pathogenic for Cardiovascular phenotype. Last evaluated: 2023-10-17. Review status: criteria provided, single submitter. Criteria: Ambry Variant Classification Scheme 2023. Collection method: clinical testing. Allele origin: germline.
Comment: The p.Y171* pathogenic mutation (also known as c.513C>G), located in coding exon 3 of the KCNQ1 gene, results from a C to G substitution at nucleotide position 513. This changes the amino acid from a tyrosine to a stop codon within coding exon 3. This mutation has been detected in individuals with Jervell and Lange-Nielsen syndrome who had an additional mutations in KCNQ1 (Piippo K et al. J Am Coll Cardiol, 2001 Feb;37:562-8; Wang Z et al. Mol Genet Metab, 2002 Apr;75:308-16). This variant has also been detected in individuals from a long QT syndrome registry (Moss AJ et al. Circulation, 2007 May;115:2481-9). An in vitro functional study reported this variant to result in no potassium channel current (Dotzler SM et al. Circulation, 2021 Apr;143:1411-1425). In addition to the clinical data presented in the literature, this alteration is expected to result in loss of function by premature protein truncation or nonsense-mediated mRNA decay. As such, this alteration is interpreted as a disease-causing mutation.

Fulgent Genetics
Classification: Pathogenic for Beckwith-Wiedemann syndrome; Long QT syndrome 1; Jervell and Lange-Nielsen syndrome 1; Atrial fibrillation, familial, 3; Short QT syndrome type 2. Last evaluated: 2021-09-02. Review status: criteria provided, single submitter. Criteria: ACMG Guidelines, 2015. Collection method: clinical testing. Allele origin: unknown.

Literature cited by the submitters: PubMed 9323054 (cited by Labcorp Genetics (formerly Invitae), Labcorp); PubMed 19862833 (cited by Labcorp Genetics (formerly Invitae), Labcorp); PubMed 11216980 (cited by Labcorp Genetics (formerly Invitae), Labcorp and Ambry Genetics); PubMed 12051962 (cited by Labcorp Genetics (formerly Invitae), Labcorp and Ambry Genetics); PubMed 17470695 (cited by Labcorp Genetics (formerly Invitae), Labcorp and Ambry Genetics); PubMed 26187847 (cited by Labcorp Genetics (formerly Invitae), Labcorp); PubMed 21244686 (cited by Ambry Genetics); PubMed 23392653 (cited by Ambry Genetics); PubMed 26063740 (cited by Ambry Genetics); PubMed 26318259 (cited by Ambry Genetics); PubMed 33504163 (cited by Ambry Genetics).

NM_000218.3(KCNQ1):c.513C>G (p.Tyr171Ter)

Gene: KCNQ1 (potassium voltage-gated channel subfamily Q member 1; plus strand). Cytogenetic location: 11p15.5.
Variant type: single nucleotide variant.
Coding change: c.513C>G on transcript NM_000218.3 (MANE Select); coding-DNA position 513, C replaced by G.
Protein change: p.Tyr171Ter; replaces tyrosine 171 with a stop codon.
Molecular consequence: nonsense.
Genome position (GRCh38, 1-based): chr11:2,570,663, C>G. VCF-style: chr11-2570663-C-G. GRCh37 (hg19) VCF-style: chr11-2591893-C-G.
Other names: c.513C>G, p.Tyr171Ter (NM_001406836.1); c.243C>G, p.Tyr81Ter (NM_001406837.1); c.132C>G, p.Tyr44Ter (NM_181798.2); short protein forms Y171*, Y44*, Y81*.
Identifiers: ClinVar variation 53056 (VCV000053056.11), dbSNP rs139042529, ClinGen allele CA007295.